The following is an entry in ClinVar:

NM_006059.4(LAMC3):c.514G>A (p.Gly172Ser)

Gene: LAMC3 (laminin subunit gamma 3; plus strand). Cytogenetic location: 9q34.12.
Variant type: single nucleotide variant.
Coding change: c.514G>A on transcript NM_006059.4 (MANE Select); coding-DNA position 514, G replaced by A.
Protein change: p.Gly172Ser; replaces glycine 172 with serine.
Molecular consequence: missense variant.
Genome position (GRCh38, 1-based): chr9:131,026,425, G>A. VCF-style: chr9-131026425-G-A. GRCh37 (hg19) VCF-style: chr9-133901812-G-A.
Other names: short protein forms G172S.
Identifiers: ClinVar variation 1212175 (VCV001212175.14), dbSNP rs149767552, ClinGen allele CA5286713.

ClinVar aggregate classification (germline): Uncertain significance. Review status: criteria provided, multiple submitters, no conflicts (2 of 4 stars). 5 submissions from 5 submitters: Uncertain significance (5). Last evaluated 2025-12-09.

Conditions:
Inborn genetic diseases. Identifiers: MedGen C0950123, MeSH D030342.

Allele frequency attached by ClinVar (database versions not stated): gnomAD exomes 0.00006; ExAC 0.00009; 1000 Genomes Project 30x 0.00016; 1000 Genomes Project 0.00020; TOPMed 0.00033; gnomAD 0.00035 and 0.00039; ESP Exome Variant Server 0.00046.
gnomAD v4.1: 105 of 1,613,808 alleles (0.0065%); highest among the groups gnomAD compares: African/African-American, 0.12%; no homozygotes.

Submissions (5):

Women's Health and Genetics/Laboratory Corporation of America, LabCorp
Classification: Uncertain significance. Last evaluated: 2025-12-09. Review status: criteria provided, single submitter. Criteria: LabCorp Variant Classification Summary - May 2015. Collection method: clinical testing. Allele origin: germline.
Comment: Variant summary: LAMC3 c.514G>A (p.Gly172Ser) results in a non-conservative amino acid change located in the Laminin, N-terminal domain (IPR008211) of the encoded protein sequence. Algorithms developed to predict the effect of missense changes on protein structure and function are either unavailable or do not agree on the potential impact of this missense change. The variant allele was found at a frequency of 6.4e-05 in 250472 control chromosomes. This frequency is not significantly higher than estimated for disease-causing variants in LAMC3, allowing no conclusion about variant significance. To our knowledge, no occurrence of c.514G>A in individuals affected with LAMC3-related conditions and no experimental evidence demonstrating its impact on protein function have been reported. ClinVar contains an entry for this variant (Variation ID: 1212175). Based on the evidence outlined above, the variant was classified as uncertain significance.

Ambry Genetics
Classification: Uncertain significance for Inborn genetic diseases. Last evaluated: 2025-01-25. Review status: criteria provided, single submitter. Criteria: Ambry Variant Classification Scheme 2023. Collection method: clinical testing. Allele origin: germline.

GeneDx
Classification: Uncertain significance. Last evaluated: 2023-12-13. Review status: criteria provided, single submitter. Criteria: GeneDx Variant Classification Process June 2021. Collection method: clinical testing. Allele origin: germline. Affected: yes.
Comment: In silico analysis supports that this missense variant has a deleterious effect on protein structure/function; Has not been previously published as pathogenic or benign to our knowledge

Labcorp Genetics (formerly Invitae), Labcorp
Classification: Uncertain significance. Last evaluated: 2022-10-28. Review status: criteria provided, single submitter. Criteria: Invitae Variant Classification Sherloc (09022015). Collection method: clinical testing. Allele origin: germline.
Comment: This sequence change replaces glycine, which is neutral and non-polar, with serine, which is neutral and polar, at codon 172 of the LAMC3 protein (p.Gly172Ser). This variant is present in population databases (rs149767552, gnomAD 0.1%). This variant has not been reported in the literature in individuals affected with LAMC3-related conditions. ClinVar contains an entry for this variant (Variation ID: 1212175). Algorithms developed to predict the effect of missense changes on protein structure and function output the following: SIFT: "Tolerated"; PolyPhen-2: "Possibly Damaging"; Align-GVGD: "Class C0". The serine amino acid residue is found in multiple mammalian species, which suggests that this missense change does not adversely affect protein function. In summary, the available evidence is currently insufficient to determine the role of this variant in disease. Therefore, it has been classified as a Variant of Uncertain Significance.

Genetic Services Laboratory, University of Chicago
Classification: Uncertain significance. Last evaluated: 2018-02-26. Review status: criteria provided, single submitter. Criteria: ACMG Guidelines, 2015. Collection method: clinical testing. Allele origin: germline. Affected: no.